The following is an entry in ClinVar:

ClinVar aggregate classification (germline): Uncertain significance (1 of 4 stars; one submission).

Conditions:
Gnathodiaphyseal dysplasia (GDD). Also called: GNATHODIAPHYSEAL SCLEROSIS; OSTEOGENESIS IMPERFECTA WITH UNUSUAL SKELETAL LESIONS. Identifiers: Orphanet 53697, MedGen C1833736, MONDO:0008151, OMIM 166260.
Autosomal recessive limb-girdle muscular dystrophy type 2L (LGMDR12). Also called: MUSCULAR DYSTROPHY, LIMB-GIRDLE, AUTOSOMAL RECESSIVE 12; Limb-Girdle Muscular Dystrophy R12 Anoctamin-5-Related (LGMD-R12); Limb-girdle muscular dystrophy, type 2L. Identifiers: Orphanet 206549, MedGen C1969785, MONDO:0012652, OMIM 611307.

Submission:

Labcorp Genetics (formerly Invitae), Labcorp
Classification: Uncertain significance for Limb-girdle muscular dystrophy, type 2L; Gnathodiaphyseal dysplasia. Last evaluated: 2019-12-16. Review status: criteria provided, single submitter. Criteria: Invitae Variant Classification Sherloc (09022015). Collection method: clinical testing. Allele origin: germline.
Comment: This sequence change affects codon 115 of the ANO5 mRNA. It is a 'silent' change, meaning that it does not change the encoded amino acid sequence of the ANO5 protein. This variant is not present in population databases (ExAC no frequency). This variant has been observed in individual(s) with clinical features of autosomal recessive limb-girdle muscular dystrophy (PMID: 24239059). Experimental studies have shown that this variant disrupts mRNA splicing (PMID: 24239059). In summary, the available evidence is currently insufficient to determine the role of this variant in disease. Therefore, it has been classified as a Variant of Uncertain Significance.

Literature cited by the submitters: PubMed 24239059.

NM_213599.3(ANO5):c.345G>A (p.Leu115=)

Gene: ANO5 (anoctamin 5; plus strand). Cytogenetic location: 11p14.3.
Variant type: single nucleotide variant.
Coding change: c.345G>A on transcript NM_213599.3 (MANE Select); coding-DNA position 345, G replaced by A.
Protein change: p.Leu115=; no amino-acid change (leucine 115 retained).
Molecular consequence: synonymous variant.
Genome position (GRCh38, 1-based): chr11:22,226,034, G>A. VCF-style: chr11-22226034-G-A. GRCh37 (hg19) VCF-style: chr11-22247580-G-A.
Other names: c.342G>A, p.Leu114= (NM_001142649.2).
Identifiers: ClinVar variation 862449 (VCV000862449.1), dbSNP rs975757101, ClinGen allele CA218734278.